The following is an entry in ClinVar:

ClinVar aggregate classification (germline): Uncertain significance. Review status: criteria provided, multiple submitters, no conflicts (2 of 4 stars). 2 submissions from 2 submitters: Uncertain significance (2). Last evaluated 2026-03-27.

Conditions:
TOPORS-related disorder. Also called: TOPORS-related condition.

Allele frequency attached by ClinVar (database versions not stated): gnomAD exomes below 0.00001; TOPMed below 0.00001; ExAC 0.00001.
gnomAD v4.1: 2 of 1,613,284 alleles (0.00012%); highest among the groups gnomAD compares: Non-Finnish European, 0.00017%; no homozygotes.

Submissions (2):

PreventionGenetics, part of Exact Sciences
Classification: Uncertain significance for TOPORS-related condition. Last evaluated: 2026-03-27. Review status: criteria provided, single submitter. Criteria: ACMG Guidelines, 2015. Collection method: clinical testing. Allele origin: germline.
Comment: The TOPORS c.332A>T variant is predicted to result in the amino acid substitution p.Asp111Val. To our knowledge, this variant has not been reported in the literature. This variant is present in 0.00088% of alleles in individuals of European (Non-Finnish) descent in gnomAD. At this time, the clinical significance of this variant is uncertain due to the absence of conclusive functional and genetic evidence.

Labcorp Genetics (formerly Invitae), Labcorp
Classification: Uncertain significance. Last evaluated: 2024-08-12. Review status: criteria provided, single submitter. Criteria: Invitae Variant Classification Sherloc (09022015). Collection method: clinical testing. Allele origin: germline.
Comment: This sequence change replaces aspartic acid, which is acidic and polar, with valine, which is neutral and non-polar, at codon 111 of the TOPORS protein (p.Asp111Val). This variant is present in population databases (rs749070735, gnomAD 0.0009%). This variant has not been reported in the literature in individuals affected with TOPORS-related conditions. ClinVar contains an entry for this variant (Variation ID: 1492037). An algorithm developed to predict the effect of missense changes on protein structure and function (PolyPhen-2) suggests that this variant is likely to be disruptive. In summary, the available evidence is currently insufficient to determine the role of this variant in disease. Therefore, it has been classified as a Variant of Uncertain Significance.

NM_005802.5(TOPORS):c.332A>T (p.Asp111Val)

Gene: TOPORS (TOP1 binding arginine/serine rich protein, E3 ubiquitin ligase; minus strand). Cytogenetic location: 9p21.1.
Variant type: single nucleotide variant.
Coding change: c.332A>T on transcript NM_005802.5 (MANE Select); coding-DNA position 332, A replaced by T.
Protein change: p.Asp111Val; replaces aspartic acid 111 with valine.
Molecular consequence: missense variant.
Genome position (GRCh38, 1-based): chr9:32,544,193, T>A on the plus strand (A>T on the coding strand, the complement: TOPORS is on the minus strand). VCF-style: chr9-32544193-T-A. GRCh37 (hg19) VCF-style: chr9-32544191-T-A.
Other names: c.137A>T, p.Asp46Val (NM_001195622.2); c.332A>T (NM_005802.4); short protein forms D111V, D46V.
Identifiers: ClinVar variation 1492037 (VCV001492037.9), dbSNP rs749070735, ClinGen allele CA5020661.